The following is an entry in ClinVar:

ClinVar aggregate classification (germline): Uncertain significance. Review status: criteria provided, multiple submitters, no conflicts (2 of 4 stars). 2 submissions from 2 submitters: Uncertain significance (2). Last evaluated 2025-01-24.

Conditions:
Inborn genetic diseases. Identifiers: MedGen C0950123, MeSH D030342.

Submissions (2):

Ambry Genetics
Classification: Uncertain significance for Inborn genetic diseases. Last evaluated: 2025-01-24. Review status: criteria provided, single submitter. Criteria: Ambry Variant Classification Scheme 2023. Collection method: clinical testing. Allele origin: germline.

Labcorp Genetics (formerly Invitae), Labcorp
Classification: Uncertain significance. Last evaluated: 2024-10-22. Review status: criteria provided, single submitter. Criteria: Invitae Variant Classification Sherloc (09022015). Collection method: clinical testing. Allele origin: germline.
Comment: This sequence change replaces proline, which is neutral and non-polar, with arginine, which is basic and polar, at codon 387 of the PDP1 protein (p.Pro387Arg). This variant is not present in population databases (gnomAD no frequency). This variant has not been reported in the literature in individuals affected with PDP1-related conditions. ClinVar contains an entry for this variant (Variation ID: 1717594). An algorithm developed to predict the effect of missense changes on protein structure and function (PolyPhen-2) suggests that this variant is likely to be disruptive. In summary, the available evidence is currently insufficient to determine the role of this variant in disease. Therefore, it has been classified as a Variant of Uncertain Significance.

NM_018444.4(PDP1):c.1160C>G (p.Pro387Arg)

Gene: PDP1 (pyruvate dehydrogenase phosphatase catalytic subunit 1; plus strand). Cytogenetic location: 8q22.1.
Variant type: single nucleotide variant.
Coding change: c.1160C>G on transcript NM_018444.4 (MANE Select); coding-DNA position 1160, C replaced by G.
Protein change: p.Pro387Arg; replaces proline 387 with arginine.
Molecular consequence: missense variant.
Genome position (GRCh38, 1-based): chr8:93,923,219, C>G. VCF-style: chr8-93923219-C-G. GRCh37 (hg19) VCF-style: chr8-94935447-C-G.
Other names: c.1235C>G, p.Pro412Arg (NM_001161779.2, NM_001161780.2); c.1160C>G, p.Pro387Arg (NM_001161781.2); c.1160C>G (NM_018444.3); short protein forms P387R, P412R.
Identifiers: ClinVar variation 1717594 (VCV001717594.6), dbSNP rs2537061938, ClinGen allele CA371696019.
Genomic context (GRCh38, chr8:93,923,219, plus strand): 5'-GAGTGATAGAATCTGGCCCAGACCAGTTGAATGACAATGAATATACCAAGTTTATTCCTC[C>G]TAATTATCACACACCTCCTTATCTCACTGCTGAGCCAGAGGTAACTTACCACCGATTAAG-3'
Protein context (NP_060914.2, residues 377-397): NDNEYTKFIP[Pro387Arg]NYHTPPYLTA